The following is an entry in ClinVar:

ClinVar aggregate classification (germline): Uncertain significance (1 of 4 stars; one submission).

Allele frequency attached by ClinVar (database versions not stated): ExAC 0.00002; gnomAD exomes 0.00002; TOPMed 0.00002; gnomAD 0.00003.
gnomAD v4.1: 16 of 1,613,734 alleles (0.00099%); highest among the groups gnomAD compares: Admixed American, 0.027%; no homozygotes.

Submission:

Ambry Genetics
Classification: Uncertain significance. Last evaluated: 2024-03-20. Review status: criteria provided, single submitter. Criteria: Ambry Variant Classification Scheme 2023. Collection method: clinical testing. Allele origin: germline.
Comment: The p.L718F variant (also known as c.2152C>T), located in coding exon 18 of the BUB1 gene, results from a C to T substitution at nucleotide position 2152. The leucine at codon 718 is replaced by phenylalanine, an amino acid with highly similar properties. This amino acid position is conserved. In addition, this alteration is predicted to be tolerated by in silico analysis. Since supporting evidence is limited at this time, the clinical significance of this alteration remains unclear.

NM_004336.5(BUB1):c.2152C>T (p.Leu718Phe)

Gene: BUB1 (BUB1 mitotic checkpoint serine/threonine kinase; minus strand). Cytogenetic location: 2q13.
Variant type: single nucleotide variant.
Coding change: c.2152C>T on transcript NM_004336.5 (MANE Select); coding-DNA position 2152, C replaced by T.
Protein change: p.Leu718Phe; replaces leucine 718 with phenylalanine.
Molecular consequence: missense variant.
Genome position (GRCh38, 1-based): chr2:110,650,597, G>A on the plus strand (C>T on the coding strand, the complement: BUB1 is on the minus strand). VCF-style: chr2-110650597-G-A. GRCh37 (hg19) VCF-style: chr2-111408174-G-A.
Other names: c.2092C>T, p.Leu698Phe (NM_001278616.2); c.2152C>T, p.Leu718Phe (NM_001278617.2); short protein forms L718F, L698F.
Identifiers: ClinVar variation 1786775 (VCV001786775.3), dbSNP rs755350549, ClinGen allele CA1827885.